The following is an entry in ClinVar:

NM_206933.4(USH2A):c.14901C>T (p.Thr4967=)

Gene: USH2A (usherin; minus strand). Cytogenetic location: 1q41.
Variant type: single nucleotide variant.
Coding change: c.14901C>T on transcript NM_206933.4 (MANE Select); coding-DNA position 14901, C replaced by T.
Protein change: p.Thr4967=; no amino-acid change (threonine 4967 retained).
Molecular consequence: synonymous variant.
Genome position (GRCh38, 1-based): chr1:215,640,625, G>A on the plus strand (C>T on the coding strand, the complement: USH2A is on the minus strand). VCF-style: chr1-215640625-G-A. GRCh37 (hg19) VCF-style: chr1-215813967-G-A.
Identifiers: ClinVar variation 48448 (VCV000048448.37), dbSNP rs397517993, ClinGen allele CA143372.

ClinVar aggregate classification (germline): Likely benign. Review status: criteria provided, multiple submitters, no conflicts (2 of 4 stars). 7 submissions from 6 submitters: Likely benign (7). Last evaluated 2025-11-10.

Conditions:
Usher syndrome type 2A. Also called: USHER SYNDROME, TYPE IIA; RETINAL DISEASE IN USHER SYNDROME TYPE IIA, MODIFIER OF. Identifiers: Orphanet 231178, Orphanet 886, MedGen C1848634, MONDO:0010169, OMIM 276901.
Retinitis pigmentosa 39 (RP39). Identifiers: Orphanet 791, MedGen C3151138, MONDO:0013436, OMIM 613809.

Allele frequency attached by ClinVar (database versions not stated): TOPMed 0.00006.
gnomAD v4.1: 192 of 1,613,592 alleles (0.012%); highest among the groups gnomAD compares: Non-Finnish European, 0.013%; no homozygotes.

Submissions (7):

Labcorp Genetics (formerly Invitae), Labcorp
Classification: Likely benign. Last evaluated: 2025-11-10. Review status: criteria provided, single submitter. Criteria: Invitae Variant Classification Sherloc (09022015). Collection method: clinical testing. Allele origin: germline.

Blueprint Genetics
Classification: Likely benign. Last evaluated: 2024-11-25. Review status: criteria provided, single submitter. Criteria: ACMG Guidelines, 2015. Collection method: clinical testing. Allele origin: germline.

CeGaT Center for Human Genetics Tuebingen
Classification: Likely benign. Last evaluated: 2024-07-01. Review status: criteria provided, single submitter. Criteria: CeGaT Center For Human Genetics Tuebingen Variant Classification Criteria Version 2. Collection method: clinical testing. Allele origin: germline. Affected: yes. Observed: 1 variant allele.
Comment: USH2A: BP4, BP7

Genome-Nilou Lab
Classification: Likely benign for Retinitis pigmentosa 39. Last evaluated: 2023-11-04. Review status: criteria provided, single submitter. Criteria: ACMG Guidelines, 2015. Collection method: clinical testing. Allele origin: germline. Affected: no.

Genome-Nilou Lab
Classification: Likely benign for Usher syndrome type 2A. Last evaluated: 2023-11-04. Review status: criteria provided, single submitter. Criteria: ACMG Guidelines, 2015. Collection method: clinical testing. Allele origin: germline. Affected: no.

GeneDx
Classification: Likely benign. Last evaluated: 2020-09-29. Review status: criteria provided, single submitter. Criteria: GeneDx Variant Classification Process June 2021. Collection method: clinical testing. Allele origin: germline. Affected: yes.

Laboratory for Molecular Medicine, Mass General Brigham Personalized Medicine
Classification: Likely benign. Last evaluated: 2010-10-26. Review status: criteria provided, single submitter. Criteria: LMM Criteria. Collection method: clinical testing. Allele origin: germline. Observed: 2 variant alleles.
Comment: Thr4967Thr in exon 68 of USH2A: This variant is not expected to have clinical si gnificance because it does not alter an amino acid residue and is not located ne ar a splice junction.